The following is an entry in ClinVar:

ClinVar aggregate classification (germline): Uncertain significance (1 of 4 stars; one submission).

Allele frequency attached by ClinVar (database versions not stated): 1000 Genomes Project 30x 0.00031; 1000 Genomes Project 0.00040.

Submission:

Labcorp Genetics (formerly Invitae), Labcorp
Classification: Uncertain significance. Last evaluated: 2022-07-12. Review status: criteria provided, single submitter. Criteria: Invitae Variant Classification Sherloc (09022015). Collection method: clinical testing. Allele origin: germline.
Comment: This sequence change replaces valine, which is neutral and non-polar, with leucine, which is neutral and non-polar, at codon 243 of the GRM6 protein (p.Val243Leu). This variant is present in population databases (rs17078894, gnomAD 0.02%). This variant has not been reported in the literature in individuals affected with GRM6-related conditions. ClinVar contains an entry for this variant (Variation ID: 1053686). Advanced modeling of protein sequence and biophysical properties (such as structural, functional, and spatial information, amino acid conservation, physicochemical variation, residue mobility, and thermodynamic stability) performed at Invitae indicates that this missense variant is not expected to disrupt GRM6 protein function. In summary, the available evidence is currently insufficient to determine the role of this variant in disease. Therefore, it has been classified as a Variant of Uncertain Significance.

NM_000843.4(GRM6):c.727G>C (p.Val243Leu)

Gene: GRM6 (glutamate metabotropic receptor 6; minus strand). Cytogenetic location: 5q35.3.
Variant type: single nucleotide variant.
Coding change: c.727G>C on transcript NM_000843.4 (MANE Select); coding-DNA position 727, G replaced by C.
Protein change: p.Val243Leu; replaces valine 243 with leucine.
Molecular consequence: missense variant.
Genome position (GRCh38, 1-based): chr5:178,991,554, C>G on the plus strand (G>C on the coding strand, the complement: GRM6 is on the minus strand). VCF-style: chr5-178991554-C-G. GRCh37 (hg19) VCF-style: chr5-178418555-C-G.
Other names: short protein forms V243L.
Identifiers: ClinVar variation 1053686 (VCV001053686.6), dbSNP rs17078894, ClinGen allele CA3594359.